The following is an entry in ClinVar:

NM_015294.6(TRIM37):c.2655G>C (p.Gln885His)

Gene: TRIM37 (tripartite motif containing 37; minus strand). Cytogenetic location: 17q22.
Variant type: single nucleotide variant.
Coding change: c.2655G>C on transcript NM_015294.6 (MANE Select); coding-DNA position 2655, G replaced by C.
Protein change: p.Gln885His; replaces glutamine 885 with histidine.
Molecular consequence: missense variant. On other transcripts: non-coding transcript variant (2).
Genome position (GRCh38, 1-based): chr17:59,012,368, C>G on the plus strand (G>C on the coding strand, the complement: TRIM37 is on the minus strand). VCF-style: chr17-59012368-C-G. GRCh37 (hg19) VCF-style: chr17-57089729-C-G.
Other names: c.2655G>C, p.Gln885His (NM_001005207.5, NM_001320988.3, NM_001320989.3 and 1 more transcripts); c.2553G>C, p.Gln851His (NM_001320987.3, NM_001353082.2); c.2289G>C, p.Gln763His (NM_001320990.3); c.1920G>C, p.Gln640His (NM_001353083.2); c.2193G>C, p.Gln731His (NM_001353085.2); c.2604G>C, p.Gln868His (NM_001353086.2); short protein forms Q731H, Q868H, Q640H, Q851H, Q763H, Q885H.
Identifiers: ClinVar variation 1995167 (VCV001995167.4), dbSNP rs2544880695, ClinGen allele CA400770321.

ClinVar aggregate classification (germline): Uncertain significance (1 of 4 stars; one submission).

Submission:

Labcorp Genetics (formerly Invitae), Labcorp
Classification: Uncertain significance. Last evaluated: 2022-08-22. Review status: criteria provided, single submitter. Criteria: Invitae Variant Classification Sherloc (09022015). Collection method: clinical testing. Allele origin: germline.
Comment: In summary, the available evidence is currently insufficient to determine the role of this variant in disease. Therefore, it has been classified as a Variant of Uncertain Significance. Algorithms developed to predict the effect of missense changes on protein structure and function are either unavailable or do not agree on the potential impact of this missense change (SIFT: "Not Available"; PolyPhen-2: "Possibly Damaging"; Align-GVGD: "Not Available"). This variant has not been reported in the literature in individuals affected with TRIM37-related conditions. This variant is not present in population databases (gnomAD no frequency). This sequence change replaces glutamine, which is neutral and polar, with histidine, which is basic and polar, at codon 885 of the TRIM37 protein (p.Gln885His).